The following is an entry in ClinVar:

NM_002435.3(MPI):c.389C>T (p.Pro130Leu)

Gene: MPI (mannose phosphate isomerase; plus strand). Cytogenetic location: 15q24.1.
Variant type: single nucleotide variant.
Coding change: c.389C>T on transcript NM_002435.3 (MANE Select); coding-DNA position 389, C replaced by T.
Protein change: p.Pro130Leu; replaces proline 130 with leucine.
Molecular consequence: missense variant.
Genome position (GRCh38, 1-based): chr15:74,892,704, C>T. VCF-style: chr15-74892704-C-T. GRCh37 (hg19) VCF-style: chr15-75185045-C-T.
Other names: c.389C>T, p.Pro130Leu (NM_001289157.2, NM_001289155.2); c.329C>T, p.Pro110Leu (NM_001330372.2); c.239C>T, p.Pro80Leu (NM_001289156.2); short protein forms P110L, P130L, P80L.
Identifiers: ClinVar variation 4883082 (VCV004883082.2).

ClinVar aggregate classification (germline): Uncertain significance (1 of 4 stars; one submission).

Conditions:
MPI-congenital disorder of glycosylation. Also called: CONGENITAL DISORDER OF GLYCOSYLATION, TYPE Ib; CDG Ib; MANNOSEPHOSPHATE ISOMERASE DEFICIENCY; MPI DEFICIENCY; PROTEIN-LOSING ENTEROPATHY-HEPATIC FIBROSIS SYNDROME; MPI-CDG. Identifiers: Orphanet 79319, MedGen C1865145, MONDO:0011257, OMIM 602579.

gnomAD v4.1: 1 of 1,614,280 alleles (0.000062%); highest among the groups gnomAD compares: African/African-American, 0.0013%; no homozygotes.

Submission:

Dasa
Classification: Uncertain significance for MPI-congenital disorder of glycosylation. Last evaluated: 2024-11-14. Review status: criteria provided, single submitter. Criteria: DASA Assertion Criteria. Collection method: clinical testing. Allele origin: germline.
Comment: NM_002435.3(MPI):c.389C>T (p.Pro130Leu) is a missense variant that results in the substitution of proline with leucine. This variant is rare in population databases. Computational prediction algorithms are consistent with a deleterious effect. The currently available literature and clinical evidence are not sufficient to establish a definitive association between this variant and the reported condition. Therefore, this variant is classified as a variant of uncertain significance.